The following is an entry in ClinVar:

NM_002691.4(POLD1):c.326A>G (p.Gln109Arg)

Gene: POLD1 (DNA polymerase delta 1, catalytic subunit; plus strand). Cytogenetic location: 19q13.33.
Variant type: single nucleotide variant.
Coding change: c.326A>G on transcript NM_002691.4 (MANE Select); coding-DNA position 326, A replaced by G.
Protein change: p.Gln109Arg; replaces glutamine 109 with arginine.
Molecular consequence: missense variant. On other transcripts: non-coding transcript variant (1).
Genome position (GRCh38, 1-based): chr19:50,401,787, A>G. VCF-style: chr19-50401787-A-G. GRCh37 (hg19) VCF-style: chr19-50905044-A-G.
Other names: c.326A>G, p.Gln109Arg (NM_001256849.1, NM_001308632.1); short protein forms Q109R.
Identifiers: ClinVar variation 1504345 (VCV001504345.8), dbSNP rs1601198162, ClinGen allele CA406972081.
Genomic context (GRCh38, chr19:50,401,787, plus strand): 5'-CTTGGAGGACCCTGAGAGGCATGGCCGCTGTCTTACCCTGTGACCCCACAGGCCCAGCGC[A>G]GCCTGTGCCTGGGGGGCCCCCACCATCCCGCGGCTCCGTGCCTGTGCTCCGCGCCTTCGG-3'
Protein context (NP_002682.2, residues 99-119): LEIDHYVGPA[Gln109Arg]PVPGGPPPSR

ClinVar aggregate classification (germline): Uncertain significance (1 of 4 stars; one submission).

Conditions:
POLD1-related polyposis and colorectal cancer syndrome (CRCS10). Also called: Colorectal cancer 10; COLORECTAL CANCER, SUSCEPTIBILITY TO, ON CHROMOSOME 19q; Colorectal cancer, susceptibility to, 10. Identifiers: Orphanet 220460, MedGen C2675481, MONDO:0012953, OMIM 612591.

Submission:

Labcorp Genetics (formerly Invitae), Labcorp
Classification: Uncertain significance for POLD1-related polyposis and colorectal cancer syndrome. Last evaluated: 2024-06-28. Review status: criteria provided, single submitter. Criteria: Invitae Variant Classification Sherloc (09022015). Collection method: clinical testing. Allele origin: germline.
Comment: This sequence change replaces glutamine, which is neutral and polar, with arginine, which is basic and polar, at codon 109 of the POLD1 protein (p.Gln109Arg). This variant is not present in population databases (gnomAD no frequency). This variant has not been reported in the literature in individuals affected with POLD1-related conditions. ClinVar contains an entry for this variant (Variation ID: 1504345). Algorithms developed to predict the effect of missense changes on protein structure and function output the following: SIFT: "Not Available"; PolyPhen-2: "Benign"; Align-GVGD: "Not Available". The arginine amino acid residue is found in multiple mammalian species, which suggests that this missense change does not adversely affect protein function. In summary, the available evidence is currently insufficient to determine the role of this variant in disease. Therefore, it has been classified as a Variant of Uncertain Significance.